The following is an entry in ClinVar:

NM_001843.4(CNTN1):c.1251G>T (p.Met417Ile)

Gene: CNTN1 (contactin 1; plus strand). Cytogenetic location: 12q12.
Variant type: single nucleotide variant.
Coding change: c.1251G>T on transcript NM_001843.4 (MANE Select); coding-DNA position 1251, G replaced by T.
Protein change: p.Met417Ile; replaces methionine 417 with isoleucine.
Molecular consequence: missense variant.
Genome position (GRCh38, 1-based): chr12:40,939,357, G>T. VCF-style: chr12-40939357-G-T. GRCh37 (hg19) VCF-style: chr12-41333159-G-T.
Other names: c.1251G>T, p.Met417Ile (NM_001256063.2, NM_001256064.2); c.1218G>T, p.Met406Ile (NM_175038.2); short protein forms M417I, M406I.
Identifiers: ClinVar variation 384608 (VCV000384608.15), dbSNP rs145510600, ClinGen allele CA6516822.

ClinVar aggregate classification (germline): Likely benign. Review status: criteria provided, multiple submitters, no conflicts (2 of 4 stars). 2 submissions from 2 submitters: Likely benign (2). Last evaluated 2026-01-12.

Conditions:
Compton-North congenital myopathy (CMYO12). Identifiers: Orphanet 210163, MedGen C2675527, MONDO:0012929, OMIM 612540.

Allele frequency attached by ClinVar (database versions not stated): gnomAD exomes 0.00019 and 0.00049; ExAC 0.00064; ESP Exome Variant Server 0.00169; gnomAD 0.00199 and 0.00213; 1000 Genomes Project 0.00220; TOPMed 0.00228; 1000 Genomes Project 30x 0.00281.
gnomAD v4.1: 588 of 1,613,812 alleles (0.036%); highest among the groups gnomAD compares: African/African-American, 0.71%; 1 homozygote.

Submissions (2):

Labcorp Genetics (formerly Invitae), Labcorp
Classification: Likely benign for Compton-North congenital myopathy. Last evaluated: 2026-01-12. Review status: criteria provided, single submitter. Criteria: Invitae Variant Classification Sherloc (09022015). Collection method: clinical testing. Allele origin: germline.

GeneDx
Classification: Likely benign. Last evaluated: 2022-08-03. Review status: criteria provided, single submitter. Criteria: GeneDx Variant Classification Process June 2021. Collection method: clinical testing. Allele origin: germline. Affected: yes.
Comment: See Variant Classification Assertion Criteria.